The following is an entry in ClinVar:

ClinVar aggregate classification (germline): Uncertain significance. Review status: criteria provided, multiple submitters, no conflicts (2 of 4 stars). 2 submissions from 2 submitters: Uncertain significance (2). Last evaluated 2023-10-31.

Conditions:
Congenital dyserythropoietic anemia, type I. Also called: Dyserythropoietic anemia, congenital type 1. Identifiers: Orphanet 98869, MedGen C0271933, MONDO:0020337. Disease mechanism: loss of function.

Allele frequency attached by ClinVar (database versions not stated): gnomAD exomes 0.00001 and 0.00002; ExAC 0.00002.

Submissions (2):

Mayo Clinic Laboratories, Mayo Clinic
Classification: Uncertain significance. Last evaluated: 2023-10-31. Review status: criteria provided, single submitter. Criteria: ACMG Guidelines, 2015. Collection method: clinical testing. Allele origin: germline. Observed: 1 variant allele.
Comment: PM2_moderate, PM5

Illumina Laboratory Services, Illumina
Classification: Uncertain significance for Anemia, congenital dyserythropoietic, type 1a. Last evaluated: 2018-01-12. Review status: criteria provided, single submitter. Criteria: ICSL Variant Classification Criteria 13 December 2019. Collection method: clinical testing. Allele origin: germline.

Literature cited by the submitters: PubMed 29599085 (cited by Mayo Clinic Laboratories, Mayo Clinic); PubMed 31183007 (cited by Mayo Clinic Laboratories, Mayo Clinic).

NM_138477.4(CDAN1):c.1004G>A (p.Arg335Gln)

Gene: CDAN1 (codanin 1; minus strand). Cytogenetic location: 15q15.2.
Variant type: single nucleotide variant.
Coding change: c.1004G>A on transcript NM_138477.4 (MANE Select); coding-DNA position 1004, G replaced by A.
Protein change: p.Arg335Gln; replaces arginine 335 with glutamine.
Molecular consequence: missense variant.
Genome position (GRCh38, 1-based): chr15:42,735,314, C>T on the plus strand (G>A on the coding strand, the complement: CDAN1 is on the minus strand). VCF-style: chr15-42735314-C-T. GRCh37 (hg19) VCF-style: chr15-43027512-C-T.
Other names: p.Arg335Gln; short protein forms R335Q.
Identifiers: ClinVar variation 887148 (VCV000887148.5), dbSNP rs766537047, ClinGen allele CA7516202.
Genomic context (GRCh38, chr15:42,735,314, plus strand): 5'-CACTGACCTAGGACAGCTGGACTTAGTTCAGGGTCGCTGTCCTTGGCAGTCACCATCCTC[C>T]GGGCAGTGAGGAGCTGAAAGACGAAGAAAAGCTCCAAGAAGAGGTTTGGTACCAGGTTCT-3'
Protein context (NP_612486.2, residues 325-345): LFFVFQLLTA[Arg335Gln]RMVTAKDSDP